The following is an entry in ClinVar:

NM_000051.4(ATM):c.3455C>T (p.Ser1152Phe)

Gene: ATM (ATM serine/threonine kinase; plus strand). Cytogenetic location: 11q22.3.
Variant type: single nucleotide variant.
Coding change: c.3455C>T on transcript NM_000051.4 (MANE Select); coding-DNA position 3455, C replaced by T.
Protein change: p.Ser1152Phe; replaces serine 1152 with phenylalanine.
Molecular consequence: missense variant.
Genome position (GRCh38, 1-based): chr11:108,281,047, C>T. VCF-style: chr11-108281047-C-T. GRCh37 (hg19) VCF-style: chr11-108151774-C-T.
Other names: c.3455C>T, p.Ser1152Phe (NM_001351834.2); short protein forms S1152F.
Identifiers: ClinVar variation 4063394 (VCV004063394.2).

ClinVar aggregate classification (germline): Uncertain significance. Review status: criteria provided, single submitter (1 of 4 stars). 2 submissions from 2 submitters: Uncertain significance (1). 1 of the submissions does not count toward it. Last evaluated 2026-03-02.

Conditions:
Hereditary cancer-predisposing syndrome. Also called: Neoplastic Syndromes, Hereditary; Tumor predisposition; Hereditary neoplastic syndrome; Hereditary Cancer Syndrome. Identifiers: Orphanet 140162, MedGen C0027672, MeSH D009386, MONDO:0015356.
Ataxia-telangiectasia syndrome (AT). Also called: LOUIS-BAR SYNDROME; Cerebello-oculocutaneous telangiectasia; Immunodeficiency with ataxia telangiectasia; AT, COMPLEMENTATION GROUP C; Ataxia-telangiectasia, complementation group D; ATAXIA-TELANGIECTASIA, COMPLEMENTATION GROUP A. Identifiers: Orphanet 100, MedGen C0004135, MONDO:0008840, OMIM 208900.

Submissions (2):

Ambry Genetics
Classification: Uncertain significance for Hereditary cancer-predisposing syndrome. Last evaluated: 2026-03-02. Review status: criteria provided, single submitter. Criteria: Ambry Variant Classification Scheme 2023. Collection method: clinical testing. Allele origin: germline.
Comment: The p.S1152F variant (also known as c.3455C>T), located in coding exon 23 of the ATM gene, results from a C to T substitution at nucleotide position 3455. The serine at codon 1152 is replaced by phenylalanine, an amino acid with highly dissimilar properties. This amino acid position is conserved. In addition, the in silico prediction for this alteration is inconclusive. Based on the available evidence, the clinical significance of this variant remains unclear.

Natera, Inc.
Classification: Uncertain significance for Ataxia-telangiectasia. Last evaluated: 2025-02-17. Review status: no assertion criteria provided. Collection method: clinical testing. Allele origin: germline. Not counted in ClinVar's aggregate classification.